The following is an entry in ClinVar:

NM_005896.4(IDH1):c.598G>T (p.Ala200Ser)

Gene: IDH1 (isocitrate dehydrogenase (NADP(+)) 1; minus strand). Cytogenetic location: 2q34.
Variant type: single nucleotide variant.
Coding change: c.598G>T on transcript NM_005896.4 (MANE Select); coding-DNA position 598, G replaced by T.
Protein change: p.Ala200Ser; replaces alanine 200 with serine.
Molecular consequence: missense variant.
Genome position (GRCh38, 1-based): chr2:208,243,527, C>A on the plus strand (G>T on the coding strand, the complement: IDH1 is on the minus strand). VCF-style: chr2-208243527-C-A. GRCh37 (hg19) VCF-style: chr2-209108251-C-A.
Other names: c.598G>T, p.Ala200Ser (NM_001282386.1, NM_001282387.1); short protein forms A200S.
Identifiers: ClinVar variation 1750901 (VCV001750901.2), dbSNP rs370342586, ClinGen allele CA2078957.

ClinVar aggregate classification (germline): Uncertain significance (1 of 4 stars; one submission).

Allele frequency attached by ClinVar (database versions not stated): ExAC 0.00001; gnomAD exomes 0.00001; TOPMed 0.00001; gnomAD 0.00003; ESP Exome Variant Server 0.00008.
gnomAD v4.1: 21 of 1,613,642 alleles (0.0013%); highest among the groups gnomAD compares: African/African-American, 0.0027%; no homozygotes.

Submission:

Ambry Genetics
Classification: Uncertain significance. Last evaluated: 2023-12-17. Review status: criteria provided, single submitter. Criteria: Ambry Variant Classification Scheme 2023. Collection method: clinical testing. Allele origin: germline.
Comment: The p.A200S variant (also known as c.598G>T), located in coding exon 4 of the IDH1 gene, results from a G to T substitution at nucleotide position 598. The alanine at codon 200 is replaced by serine, an amino acid with similar properties. This amino acid position is conserved. In addition, the in silico prediction for this alteration is inconclusive. Since supporting evidence is limited at this time, the clinical significance of this alteration remains unclear.